The following is an entry in ClinVar:

NM_000373.4(UMPS):c.1146C>T (p.Tyr382=)

Gene: UMPS (uridine monophosphate synthetase; plus strand). Cytogenetic location: 3q21.2.
Variant type: single nucleotide variant.
Coding change: c.1146C>T on transcript NM_000373.4 (MANE Select); coding-DNA position 1146, C replaced by T.
Protein change: p.Tyr382=; no amino-acid change (tyrosine 382 retained).
Molecular consequence: synonymous variant. On other transcripts: non-coding transcript variant (2).
Genome position (GRCh38, 1-based): chr3:124,740,187, C>T. VCF-style: chr3-124740187-C-T. GRCh37 (hg19) VCF-style: chr3-124459034-C-T.
Identifiers: ClinVar variation 2571182 (VCV002571182.27), dbSNP rs537830992, ClinGen allele CA2581808.

ClinVar aggregate classification (germline): Likely benign (1 of 4 stars; one submission).

Allele frequency attached by ClinVar (database versions not stated): gnomAD 0.00002; gnomAD exomes 0.00002; ExAC 0.00003; 1000 Genomes Project 30x 0.00016; 1000 Genomes Project 0.00020.
gnomAD v4.1: 37 of 1,611,920 alleles (0.0023%); highest among the groups gnomAD compares: South Asian, 0.038%; 1 homozygote.

Submission:

CeGaT Center for Human Genetics Tuebingen
Classification: Likely benign. Last evaluated: 2023-05-01. Review status: criteria provided, single submitter. Criteria: CeGaT Center For Human Genetics Tuebingen Variant Classification Criteria Version 2. Collection method: clinical testing. Allele origin: germline. Affected: yes. Observed: 1 variant allele.
Comment: UMPS: BP4, BP7